The following is an entry in ClinVar:

ClinVar aggregate classification (germline): Uncertain significance. Review status: criteria provided, multiple submitters, no conflicts (2 of 4 stars). 2 submissions from 2 submitters: Uncertain significance (2). Last evaluated 2026-05-11.

Conditions:
Hypogonadotropic hypogonadism 1 with or without anosmia (HH1). Also called: Kallmann syndrome, type 1, X-linked; DYSPLASIA OLFACTOGENITALIS OF DE MORSIER; HYPOGONADOTROPIC HYPOGONADISM AND ANOSMIA; HYPOGONADOTROPIC HYPOGONADISM 1 WITH ANOSMIA; KAL1-Related GnRH Deficiency (Kallmann Syndrome 1; Kallmann Syndrome, X-Linked); Hypogonadotropic hypogonadism 1 with or without anosmia (Kallmann syndrome 1). Identifiers: Orphanet 478, MedGen C1563719, MONDO:0010635, OMIM 308700. Disease mechanism: loss of function.
Inborn genetic diseases. Identifiers: MedGen C0950123, MeSH D030342.

gnomAD v4.1: 5 of 1,169,313 alleles (0.00043%); highest among the groups gnomAD compares: Non-Finnish European, 0.00058%; no homozygotes.

Submissions (2):

Ambry Genetics
Classification: Uncertain significance for Inborn genetic diseases. Last evaluated: 2026-05-11. Review status: criteria provided, single submitter. Criteria: Ambry Variant Classification Scheme 2023. Collection method: clinical testing. Allele origin: germline.
Comment: The c.2020A>G (p.K674E) alteration is located in exon 14 (coding exon 14) of the ANOS1 gene. This alteration results from a A to G substitution at nucleotide position 2020, causing the lysine (K) at amino acid position 674 to be replaced by a glutamic acid (E). Based on data from gnomAD, the G allele has an overall frequency of 0.005% (1/22091) total alleles studied. The highest observed frequency was 0.009% (1/10890) of European (non-Finnish) alleles. Based on insufficient or conflicting evidence, the clinical significance of this alteration remains unclear.

Fulgent Genetics
Classification: Uncertain significance for Hypogonadotropic hypogonadism 1 with or without anosmia. Last evaluated: 2024-03-18. Review status: criteria provided, single submitter. Criteria: ACMG Guidelines, 2015. Collection method: clinical testing. Allele origin: germline.

NM_000216.4(ANOS1):c.2020A>G (p.Lys674Glu)

Gene: ANOS1 (anosmin 1; minus strand). Cytogenetic location: Xp22.31.
Variant type: single nucleotide variant.
Coding change: c.2020A>G on transcript NM_000216.4 (MANE Select); coding-DNA position 2020, A replaced by G.
Protein change: p.Lys674Glu; replaces lysine 674 with glutamic acid.
Molecular consequence: missense variant.
Genome position (GRCh38, 1-based): chrX:8,533,018, T>C on the plus strand (A>G on the coding strand, the complement: ANOS1 is on the minus strand). VCF-style: chrX-8533018-T-C. GRCh37 (hg19) VCF-style: chrX-8501059-T-C.
Other names: c.2020A>G (NM_000216.2); short protein forms K674E.
Identifiers: ClinVar variation 3598457 (VCV003598457.2).